The following is an entry in ClinVar:

ClinVar aggregate classification (germline): Uncertain significance (1 of 4 stars; one submission).

Conditions:
Autosomal dominant limb-girdle muscular dystrophy type 1G (LGMDD3). Also called: Limb-girdle muscular dystrophy, type 1G; MUSCULAR DYSTROPHY, LIMB-GIRDLE, AUTOSOMAL DOMINANT 3. Identifiers: Orphanet 55596, MedGen C1836765, MONDO:0012193, OMIM 609115.

Submission:

Labcorp Genetics (formerly Invitae), Labcorp
Classification: Uncertain significance for Autosomal dominant limb-girdle muscular dystrophy type 1G. Last evaluated: 2023-01-06. Review status: criteria provided, single submitter. Criteria: Invitae Variant Classification Sherloc (09022015). Collection method: clinical testing. Allele origin: germline.
Comment: In summary, the available evidence is currently insufficient to determine the role of this variant in disease. Therefore, it has been classified as a Variant of Uncertain Significance. Algorithms developed to predict the effect of missense changes on protein structure and function are either unavailable or do not agree on the potential impact of this missense change (SIFT: "Deleterious"; PolyPhen-2: "Benign"; Align-GVGD: "Class C0"). This variant has not been reported in the literature in individuals affected with HNRNPDL-related conditions. This variant is not present in population databases (gnomAD no frequency). This sequence change replaces alanine, which is neutral and non-polar, with glycine, which is neutral and non-polar, at codon 74 of the HNRNPDL protein (p.Ala74Gly).

NM_031372.4(HNRNPDL):c.221C>G (p.Ala74Gly)

Gene: HNRNPDL (heterogeneous nuclear ribonucleoprotein D like; minus strand). Cytogenetic location: 4q21.22.
Variant type: single nucleotide variant.
Coding change: c.221C>G on transcript NM_031372.4 (MANE Select); coding-DNA position 221, C replaced by G.
Protein change: p.Ala74Gly; replaces alanine 74 with glycine.
Molecular consequence: missense variant. On other transcripts: non-coding transcript variant (1).
Genome position (GRCh38, 1-based): chr4:82,429,470, G>C on the plus strand (C>G on the coding strand, the complement: HNRNPDL is on the minus strand). VCF-style: chr4-82429470-G-C. GRCh37 (hg19) VCF-style: chr4-83350623-G-C.
Other names: c.221C>G, p.Ala74Gly (NM_001207000.1); short protein forms A74G.
Identifiers: ClinVar variation 2867831 (VCV002867831.3), dbSNP rs2530024688, ClinGen allele CA357172774.
Genomic context (GRCh38, chr4:82,429,470, plus strand): 5'-GAGCTGGATTTAAAATGGCGGCGGAAGAGATCCGGGCGCCGCCTGCGCCCTCCCTTTATA[G>C]CCGCCCCGCCCGCCAATCGGGAGGGCTGCTGGGCGGTGACGTGGCGCTGGGCCCGGCGCG-3'
Protein context (NP_112740.1, residues 64-84): QQPSRLAGGA[Ala74Gly]IKGGRRRRPD